The following is an entry in ClinVar:

NM_001130145.3(YAP1):c.901A>C (p.Asn301His)

Gene: YAP1 (Yes1 associated transcriptional regulator; plus strand). Cytogenetic location: 11q22.1.
Variant type: single nucleotide variant.
Coding change: c.901A>C on transcript NM_001130145.3 (MANE Select); coding-DNA position 901, A replaced by C.
Protein change: p.Asn301His; replaces asparagine 301 with histidine.
Molecular consequence: missense variant.
Genome position (GRCh38, 1-based): chr11:102,205,991, A>C. VCF-style: chr11-102205991-A-C. GRCh37 (hg19) VCF-style: chr11-102076722-A-C.
Other names: c.901A>C, p.Asn301His (NM_001195044.2, NM_001282100.2, NM_001282101.2); c.367A>C, p.Asn123His (NM_001195045.2); c.787A>C, p.Asn263His (NM_001282097.2, NM_001282098.2, NM_001282099.2 and 1 more transcripts); short protein forms N263H, N123H, N301H.
Identifiers: ClinVar variation 2168977 (VCV002168977.4), dbSNP rs946455650, ClinGen allele CA227364503.

ClinVar aggregate classification (germline): Uncertain significance (1 of 4 stars; one submission).

Allele frequency attached by ClinVar (database versions not stated): gnomAD 0.00001; gnomAD exomes 0.00001; TOPMed 0.00001.
gnomAD v4.1: 15 of 1,613,824 alleles (0.00093%); highest among the groups gnomAD compares: Non-Finnish European, 0.0013%; no homozygotes.

Submission:

Labcorp Genetics (formerly Invitae), Labcorp
Classification: Uncertain significance. Last evaluated: 2023-12-07. Review status: criteria provided, single submitter. Criteria: Invitae Variant Classification Sherloc (09022015). Collection method: clinical testing. Allele origin: germline.
Comment: This sequence change replaces asparagine, which is neutral and polar, with histidine, which is basic and polar, at codon 301 of the YAP1 protein (p.Asn301His). This variant is present in population databases (no rsID available, gnomAD 0.0009%). This variant has not been reported in the literature in individuals affected with YAP1-related conditions. ClinVar contains an entry for this variant (Variation ID: 2168977). Advanced modeling of protein sequence and biophysical properties (such as structural, functional, and spatial information, amino acid conservation, physicochemical variation, residue mobility, and thermodynamic stability) performed at Invitae indicates that this missense variant is not expected to disrupt YAP1 protein function with a negative predictive value of 80%. In summary, the available evidence is currently insufficient to determine the role of this variant in disease. Therefore, it has been classified as a Variant of Uncertain Significance.